The following is an entry in ClinVar:

ClinVar aggregate classification (germline): Likely pathogenic (1 of 4 stars; one submission).

Conditions:
DNAAF11-related disorder. Also called: DNAAF11-related condition.

Submission:

PreventionGenetics, part of Exact Sciences
Classification: Likely pathogenic for DNAAF11-related condition. Last evaluated: 2023-07-31. Review status: criteria provided, single submitter. Criteria: ACMG Guidelines, 2015. Collection method: clinical testing. Allele origin: germline.
Comment: The DNAAF11 c.429_429+15del16 variant is predicted to result in a frameshift and premature protein termination (p.Lys143Asnfs*8). To our knowledge, this variant has not been reported in the literature or in a large population database, indicating this variant is rare. Frameshift variants in DNAAF11 are expected to be pathogenic. This variant is interpreted as likely pathogenic.

NM_012472.6(DNAAF11):c.429_429+15del

Gene: DNAAF11 (dynein axonemal assembly factor 11; minus strand). Cytogenetic location: 8q24.22.
Variant type: Deletion.
Coding change: c.429_429+15del on transcript NM_012472.6 (MANE Select); coding-DNA position 429 through 15 bases into the intron after coding-DNA position 429, 16 bases deleted (GGTATGGTTCTTTTAA).
Molecular consequence: splice donor variant.
Genome position (GRCh38, 1-based): chr8:132,637,920-132,637,935, TTAAAAGAACCATACC deleted on the plus strand (GGTATGGTTCTTTTAA on the coding strand, the reverse complement: DNAAF11 is on the minus strand); deleting any 16 consecutive bases within chr8:132,637,920-132,637,937 gives the same sequence; the c. name uses the placement nearest the transcript's 3' end. VCF-style (leftmost placement, unchanged base first): chr8-132637919-ATTAAAAGAACCATACC-A. GRCh37 (hg19) VCF-style: chr8-133650165-ATTAAAAGAACCATACC-A.
Other names: c.183_183+15del (NM_001321962.2); c.429_429+15del (NM_001321961.2); c.69_69+15del (NM_001321966.2, NM_001321963.2, NM_001321964.2 and 1 more transcripts).
Identifiers: ClinVar variation 2631830 (VCV002631830.1), dbSNP rs1821460043, ClinGen allele CA1119377744.